The following is an entry in ClinVar:

ClinVar aggregate classification (germline): Uncertain significance. Review status: criteria provided, multiple submitters, no conflicts (2 of 4 stars). 2 submissions from 2 submitters: Uncertain significance (2). Last evaluated 2024-05-16.

Conditions:
Inborn genetic diseases. Identifiers: MedGen C0950123, MeSH D030342.

Allele frequency attached by ClinVar (database versions not stated): gnomAD exomes below 0.00001; ExAC 0.00001; gnomAD 0.00001; TOPMed 0.00002.

Submissions (2):

Ambry Genetics
Classification: Uncertain significance for Inborn genetic diseases. Last evaluated: 2024-05-16. Review status: criteria provided, single submitter. Criteria: Ambry Variant Classification Scheme 2023. Collection method: clinical testing. Allele origin: germline.

Labcorp Genetics (formerly Invitae), Labcorp
Classification: Uncertain significance. Last evaluated: 2022-04-06. Review status: criteria provided, single submitter. Criteria: Invitae Variant Classification Sherloc (09022015). Collection method: clinical testing. Allele origin: germline.
Comment: Algorithms developed to predict the effect of missense changes on protein structure and function (SIFT, PolyPhen-2, Align-GVGD) all suggest that this variant is likely to be tolerated. In summary, the available evidence is currently insufficient to determine the role of this variant in disease. Therefore, it has been classified as a Variant of Uncertain Significance. This variant has not been reported in the literature in individuals affected with LPIN1-related conditions. This sequence change replaces methionine, which is neutral and non-polar, with arginine, which is basic and polar, at codon 101 of the LPIN1 protein (p.Met101Arg). This variant is present in population databases (rs772683752, gnomAD 0.003%).

NM_001349206.2(LPIN1):c.302T>G (p.Met101Arg)

Gene: LPIN1 (lipin 1; plus strand). Cytogenetic location: 2p25.1.
Variant type: single nucleotide variant.
Coding change: c.302T>G on transcript NM_001349206.2 (MANE Select); coding-DNA position 302, T replaced by G.
Protein change: p.Met101Arg; replaces methionine 101 with arginine.
Molecular consequence: missense variant. On other transcripts: non-coding transcript variant (1).
Genome position (GRCh38, 1-based): chr2:11,771,385, T>G. VCF-style: chr2-11771385-T-G. GRCh37 (hg19) VCF-style: chr2-11911511-T-G.
Other names: c.320T>G, p.Met107Arg (NM_001261427.3); c.449T>G, p.Met150Arg (NM_001261428.3, NM_001349208.2); c.302T>G, p.Met101Arg (NM_001349199.2, NM_001349200.2, NM_001349201.2 and 5 more transcripts); c.392T>G, p.Met131Arg (NM_001349207.2); c.302T>G (NM_145693.1); short protein forms M107R, M150R, M101R, M131R.
Identifiers: ClinVar variation 2189623 (VCV002189623.3), dbSNP rs772683752, ClinGen allele CA1533405.